The following is an entry in ClinVar:

ClinVar aggregate classification (germline): Likely pathogenic (1 of 4 stars; one submission).

Conditions:
LAMA2-related muscular dystrophy (LAMA2-RD). Also called: Laminin alpha 2-related dystrophy. Identifiers: MedGen C5679788, MONDO:0100228.

Submission:

Labcorp Genetics (formerly Invitae), Labcorp
Classification: Likely pathogenic for LAMA2-related muscular dystrophy. Last evaluated: 2019-04-30. Review status: criteria provided, single submitter. Criteria: Invitae Variant Classification Sherloc (09022015). Collection method: clinical testing. Allele origin: germline.
Comment: This variant has not been reported in the literature in individuals with LAMA2-related conditions. This sequence change affects a donor splice site in intron 30 of the LAMA2 gene. It is expected to disrupt RNA splicing and likely results in an absent or disrupted protein product. This variant also falls at the last nucleotide of exon 30 of the LAMA2 coding sequence, which is part of the consensus splice site for this exon. This variant is not present in population databases (ExAC no frequency). Donor and acceptor splice site variants typically lead to a loss of protein function (PMID: 16199547), and loss-of-function variants in LAMA2 are known to be pathogenic (PMID: 18700894). In summary, the currently available evidence indicates that the variant is pathogenic, but additional data are needed to prove that conclusively. Therefore, this variant has been classified as Likely Pathogenic.

Literature cited by the submitters: PubMed 16199547; PubMed 18700894.

NM_000426.4(LAMA2):c.4436_4436+35del

Gene: LAMA2 (laminin subunit alpha 2; plus strand). Cytogenetic location: 6q22.33.
Variant type: Deletion.
Coding change: c.4436_4436+35del on transcript NM_000426.4 (MANE Select); coding-DNA position 4436 through 35 bases into the intron after coding-DNA position 4436, 36 bases deleted.
Molecular consequence: splice donor variant.
Genome position (GRCh38, 1-based): chr6:129,342,467-129,342,502, 36 bases deleted; deleting any 36 consecutive bases within chr6:129,342,465-129,342,502 gives the same sequence; the c. name uses the placement nearest the transcript's 3' end. GRCh37 (hg19): chr6:129,663,612-129,663,647.
Other names: c.4436_4436+35del (NM_001079823.2).
Identifiers: ClinVar variation 951799 (VCV000951799.8), dbSNP rs1776322102, ClinGen allele CA1139659805.